The following is an entry in ClinVar:

ClinVar aggregate classification (germline): Uncertain significance (1 of 4 stars; one submission).

Conditions:
Familial thoracic aortic aneurysm and aortic dissection (TAAD). Also called: Thoracic aortic aneurysms and dissections. Identifiers: Orphanet 91387, MedGen C4707243, MONDO:0019625.

Allele frequency attached by ClinVar (database versions not stated): gnomAD exomes below 0.00001.
gnomAD v4.1: 2 of 1,613,900 alleles (0.00012%); highest among the groups gnomAD compares: Non-Finnish European, 0.00017%; no homozygotes.

Submission:

Ambry Genetics
Classification: Uncertain significance for Familial thoracic aortic aneurysm and aortic dissection. Last evaluated: 2023-10-05. Review status: criteria provided, single submitter. Criteria: Ambry Variant Classification Scheme 2023. Collection method: clinical testing. Allele origin: germline.
Comment: The p.E1180A variant (also known as c.3539A>C), located in coding exon 16 of the MYLK gene, results from an A to C substitution at nucleotide position 3539. The glutamic acid at codon 1180 is replaced by alanine, an amino acid with dissimilar properties. This amino acid position is conserved. In addition, this alteration is predicted to be tolerated by in silico analysis. Since supporting evidence is limited at this time, the clinical significance of this alteration remains unclear.

NM_053025.4(MYLK):c.3539A>C (p.Glu1180Ala)

Gene: MYLK (myosin light chain kinase; minus strand). Cytogenetic location: 3q21.1.
Variant type: single nucleotide variant.
Coding change: c.3539A>C on transcript NM_053025.4 (MANE Select); coding-DNA position 3539, A replaced by C.
Protein change: p.Glu1180Ala; replaces glutamic acid 1180 with alanine.
Molecular consequence: missense variant.
Genome position (GRCh38, 1-based): chr3:123,692,761, T>G on the plus strand (A>C on the coding strand, the complement: MYLK is on the minus strand). VCF-style: chr3-123692761-T-G. GRCh37 (hg19) VCF-style: chr3-123411608-T-G.
Other names: c.3011A>C, p.Glu1004Ala (NM_001321309.2); c.3332A>C, p.Glu1111Ala (NM_053026.4, NM_053028.4); c.3539A>C, p.Glu1180Ala (NM_053027.4); short protein forms E1004A, E1111A, E1180A.
Identifiers: ClinVar variation 3228912 (VCV003228912.1), dbSNP rs2474056852, ClinGen allele CA354234851.